The following is an entry in ClinVar:

ClinVar aggregate classification (germline): Uncertain significance (1 of 4 stars; one submission).

Submission:

Labcorp Genetics (formerly Invitae), Labcorp
Classification: Uncertain significance. Last evaluated: 2025-11-03. Review status: criteria provided, single submitter. Criteria: Invitae Variant Classification Sherloc (09022015). Collection method: clinical testing. Allele origin: germline.
Comment: This sequence change replaces tryptophan, which is neutral and slightly polar, with cysteine, which is neutral and slightly polar, at codon 10 of the MRPL12 protein (p.Trp10Cys). The frequency data for this variant in the population databases is considered unreliable, as metrics indicate poor data quality at this position in the gnomAD database. This variant has not been reported in the literature in individuals affected with MRPL12-related conditions. An algorithm developed to predict the effect of missense changes on protein structure and function (PolyPhen-2) suggests that this variant is likely to be disruptive. In summary, the available evidence is currently insufficient to determine the role of this variant in disease. Therefore, it has been classified as a Variant of Uncertain Significance.

NM_002949.4(MRPL12):c.30G>T (p.Trp10Cys)

Gene: MRPL12 (mitochondrial ribosomal protein L12; plus strand). Cytogenetic location: 17q25.3.
Variant type: single nucleotide variant.
Coding change: c.30G>T on transcript NM_002949.4 (MANE Select); coding-DNA position 30, G replaced by T.
Protein change: p.Trp10Cys; replaces tryptophan 10 with cysteine.
Molecular consequence: missense variant.
Genome position (GRCh38, 1-based): chr17:81,703,531, G>T. VCF-style: chr17-81703531-G-T. GRCh37 (hg19) VCF-style: chr17-79670561-G-T.
Other names: short protein forms W10C.
Identifiers: ClinVar variation 4704885 (VCV004704885.1).